The following is an entry in ClinVar:

NM_006567.5(FARS2):c.1259A>G (p.His420Arg)

Gene: FARS2 (phenylalanyl-tRNA synthetase 2, mitochondrial; plus strand). Cytogenetic location: 6p25.1.
Variant type: single nucleotide variant.
Coding change: c.1259A>G on transcript NM_006567.5 (MANE Select); coding-DNA position 1259, A replaced by G.
Protein change: p.His420Arg; replaces histidine 420 with arginine.
Molecular consequence: missense variant.
Genome position (GRCh38, 1-based): chr6:5,771,332, A>G. VCF-style: chr6-5771332-A-G. GRCh37 (hg19) VCF-style: chr6-5771565-A-G.
Other names: c.1259A>G, p.His420Arg (NM_001318872.2, NM_001374875.1, NM_001374876.1 and 4 more transcripts); c.1127A>G, p.His376Arg (NM_001375258.1); c.563A>G, p.His188Arg (NM_001375259.1, NM_001375260.1); short protein forms H376R, H188R, H420R.
Identifiers: ClinVar variation 4769066 (VCV004769066.1).

ClinVar aggregate classification (germline): Uncertain significance (1 of 4 stars; one submission).

Conditions:
Combined oxidative phosphorylation defect type 14. Also called: Combined oxidative phosphorylation deficiency 14. Identifiers: Orphanet 319519, MedGen C4755312, MONDO:0013986, OMIM 614946.

Submission:

Labcorp Genetics (formerly Invitae), Labcorp
Classification: Uncertain significance for Combined oxidative phosphorylation defect type 14. Last evaluated: 2025-06-10. Review status: criteria provided, single submitter. Criteria: Invitae Variant Classification Sherloc (09022015). Collection method: clinical testing. Allele origin: germline.
Comment: This sequence change replaces histidine, which is basic and polar, with arginine, which is basic and polar, at codon 420 of the FARS2 protein (p.His420Arg). This variant is not present in population databases (gnomAD no frequency). This variant has not been reported in the literature in individuals affected with FARS2-related conditions. Invitae Evidence Modeling of protein sequence and biophysical properties (such as structural, functional, and spatial information, amino acid conservation, physicochemical variation, residue mobility, and thermodynamic stability) has been performed for this missense variant. However, the output from this modeling did not meet the statistical confidence thresholds required to predict the impact of this variant on FARS2 protein function. In summary, the available evidence is currently insufficient to determine the role of this variant in disease. Therefore, it has been classified as a Variant of Uncertain Significance.